The following is an entry in ClinVar:

NM_014727.3(KMT2B):c.6917C>T (p.Ala2306Val)

Gene: KMT2B (lysine methyltransferase 2B; plus strand). Cytogenetic location: 19q13.12.
Variant type: single nucleotide variant.
Coding change: c.6917C>T on transcript NM_014727.3 (MANE Select); coding-DNA position 6917, C replaced by T.
Protein change: p.Ala2306Val; replaces alanine 2306 with valine.
Molecular consequence: missense variant.
Genome position (GRCh38, 1-based): chr19:35,733,466, C>T. VCF-style: chr19-35733466-C-T. GRCh37 (hg19) VCF-style: chr19-36224367-C-T.
Other names: short protein forms A2306V.
Identifiers: ClinVar variation 1965030 (VCV001965030.5), dbSNP rs2513356473, ClinGen allele CA405430567.

ClinVar aggregate classification (germline): Uncertain significance (1 of 4 stars; one submission).

Submission:

Labcorp Genetics (formerly Invitae), Labcorp
Classification: Uncertain significance. Last evaluated: 2025-08-11. Review status: criteria provided, single submitter. Criteria: Invitae Variant Classification Sherloc (09022015). Collection method: clinical testing. Allele origin: germline.
Comment: This sequence change replaces alanine, which is neutral and non-polar, with valine, which is neutral and non-polar, at codon 2306 of the KMT2B protein (p.Ala2306Val). This variant is not present in population databases (gnomAD no frequency). This variant has not been reported in the literature in individuals affected with KMT2B-related conditions. ClinVar contains an entry for this variant (Variation ID: 1965030). Invitae Evidence Modeling of protein sequence and biophysical properties (such as structural, functional, and spatial information, amino acid conservation, physicochemical variation, residue mobility, and thermodynamic stability) indicates that this missense variant is not expected to disrupt KMT2B protein function with a negative predictive value of 95%. In summary, the available evidence is currently insufficient to determine the role of this variant in disease. Therefore, it has been classified as a Variant of Uncertain Significance.